The following is an entry in ClinVar:

NM_001282225.2(ADA2):c.402C>A (p.Cys134Ter)

Gene: ADA2 (adenosine deaminase 2; minus strand). Cytogenetic location: 22q11.1.
Variant type: single nucleotide variant.
Coding change: c.402C>A on transcript NM_001282225.2 (MANE Select); coding-DNA position 402, C replaced by A.
Protein change: p.Cys134Ter; replaces cysteine 134 with a stop codon.
Molecular consequence: nonsense.
Genome position (GRCh38, 1-based): chr22:17,207,211, G>T on the plus strand (C>A on the coding strand, the complement: ADA2 is on the minus strand). VCF-style: chr22-17207211-G-T. GRCh37 (hg19) VCF-style: chr22-17688101-G-T.
Other names: c.42C>A, p.Cys14Ter (NM_001282229.2); c.402C>A, p.Cys134Ter (NM_001282226.2); c.276C>A, p.Cys92Ter (NM_001282227.2, NM_001282228.2); short protein forms C134*, C14*, C92*.
Identifiers: ClinVar variation 3723421 (VCV003723421.2).

ClinVar aggregate classification (germline): Pathogenic (1 of 4 stars; one submission).

Conditions:
Deficiency of adenosine deaminase 2. Also called: Polyarteritis nodosa, childhoood-onset; Adenosine Deaminase 2 Deficiency; VASCULITIS, AUTOINFLAMMATION, IMMUNODEFICIENCY, AND HEMATOLOGIC DEFECTS SYNDROME. Identifiers: Orphanet 404553, MedGen C3887654, MONDO:0014306, OMIM 615688, MONDO:0100317.

Submission:

Labcorp Genetics (formerly Invitae), Labcorp
Classification: Pathogenic for Deficiency of adenosine deaminase 2. Last evaluated: 2024-10-21. Review status: criteria provided, single submitter. Criteria: Invitae Variant Classification Sherloc (09022015). Collection method: clinical testing. Allele origin: germline.
Comment: This sequence change creates a premature translational stop signal (p.Cys134*) in the ADA2 gene. It is expected to result in an absent or disrupted protein product. Loss-of-function variants in ADA2 are known to be pathogenic (PMID: 24552284, 24552285). This variant is not present in population databases (gnomAD no frequency). This variant has not been reported in the literature in individuals affected with ADA2-related conditions. For these reasons, this variant has been classified as Pathogenic.

Literature cited by the submitters: PubMed 24552284; PubMed 24552285.